The following is an entry in ClinVar:

NM_030973.4(MED25):c.2147G>A (p.Gly716Asp)

Gene: MED25 (mediator complex subunit 25; plus strand). Cytogenetic location: 19q13.33.
Variant type: single nucleotide variant.
Coding change: c.2147G>A on transcript NM_030973.4 (MANE Select); coding-DNA position 2147, G replaced by A.
Protein change: p.Gly716Asp; replaces glycine 716 with aspartic acid.
Molecular consequence: missense variant. On other transcripts: intron variant (1).
Genome position (GRCh38, 1-based): chr19:49,836,847, G>A. VCF-style: chr19-49836847-G-A. GRCh37 (hg19) VCF-style: chr19-50340104-G-A.
Other names: c.2146+441G>A (NM_001378355.1); short protein forms G716D.
Identifiers: ClinVar variation 944614 (VCV000944614.9), dbSNP rs2074102680, ClinGen allele CA406922425.
Genomic context (GRCh38, chr19:49,836,847, plus strand): 5'-GGGCCCTCCTGGGCCCAAGGGCCTACTGGGAGATGCAGTCCCTTCCCCACTGCCCCTCAG[G>A]TCAGATGCTGCTGAGCGGGGGTCCCCGGGGCCCGGTCCCCCAGCCGGGCCTGCAGCCCAG-3'
Protein context (NP_112235.2, residues 706-726): AQLPPRAPLP[Gly716Asp]QMLLSGGPRG

ClinVar aggregate classification (germline): Uncertain significance (1 of 4 stars; one submission).

Conditions:
Charcot-Marie-Tooth disease type 2. Also called: Charcot-Marie-Tooth type 2. Identifiers: Orphanet 64746, MedGen C0270914, MONDO:0018993.

Allele frequency attached by ClinVar (database versions not stated): gnomAD exomes below 0.00001.
gnomAD v4.1: 1 of 1,610,318 alleles (0.000062%); highest among the groups gnomAD compares: Non-Finnish European, 0.000085%; no homozygotes.

Submission:

Labcorp Genetics (formerly Invitae), Labcorp
Classification: Uncertain significance for Charcot-Marie-Tooth disease type 2. Last evaluated: 2019-07-07. Review status: criteria provided, single submitter. Criteria: Invitae Variant Classification Sherloc (09022015). Collection method: clinical testing. Allele origin: germline.
Comment: Algorithms developed to predict the effect of missense changes on protein structure and function are either unavailable or do not agree on the potential impact of this missense change (SIFT: "Deleterious"; PolyPhen-2: "Probably Damaging"; Align-GVGD: "Class C0"). This sequence change replaces glycine with aspartic acid at codon 716 of the MED25 protein (p.Gly716Asp). The glycine residue is highly conserved and there is a moderate physicochemical difference between glycine and aspartic acid. This variant is not present in population databases (ExAC no frequency). This variant has not been reported in the literature in individuals with MED25-related conditions. In summary, the available evidence is currently insufficient to determine the role of this variant in disease. Therefore, it has been classified as a Variant of Uncertain Significance.